The following is an entry in ClinVar:

ClinVar aggregate classification (germline): Uncertain significance. Review status: criteria provided, multiple submitters, no conflicts (2 of 4 stars). 2 submissions from 2 submitters: Uncertain significance (2). Last evaluated 2025-12-16.

Conditions:
Inborn genetic diseases. Identifiers: MedGen C0950123, MeSH D030342.

Allele frequency attached by ClinVar (database versions not stated): ExAC 0.00006; gnomAD exomes 0.00006; TOPMed 0.00014; gnomAD 0.00018; 1000 Genomes Project 0.00020; ESP Exome Variant Server 0.00033; 1000 Genomes Project 30x 0.00062.
gnomAD v4.1: 62 of 1,613,694 alleles (0.0038%); highest among the groups gnomAD compares: African/African-American, 0.051%; no homozygotes.

Submissions (2):

Labcorp Genetics (formerly Invitae), Labcorp
Classification: Uncertain significance. Last evaluated: 2025-12-16. Review status: criteria provided, single submitter. Criteria: Invitae Variant Classification Sherloc (09022015). Collection method: clinical testing. Allele origin: germline.
Comment: This sequence change replaces arginine, which is basic and polar, with histidine, which is basic and polar, at codon 3177 of the SPEG protein (p.Arg3177His). This variant is present in population databases (rs199580811, gnomAD 0.04%). This variant has not been reported in the literature in individuals affected with SPEG-related conditions. ClinVar contains an entry for this variant (Variation ID: 1417432). An algorithm developed to predict the effect of missense changes on protein structure and function (PolyPhen-2) suggests that this variant is likely to be disruptive. In summary, the available evidence is currently insufficient to determine the role of this variant in disease. Therefore, it has been classified as a Variant of Uncertain Significance.

Ambry Genetics
Classification: Uncertain significance for Inborn genetic diseases. Last evaluated: 2022-07-08. Review status: criteria provided, single submitter. Criteria: Ambry Variant Classification Scheme 2023. Collection method: clinical testing. Allele origin: germline.

NM_005876.5(SPEG):c.9530G>A (p.Arg3177His)

Genes: ASIC4-AS1 (ASIC4 antisense RNA 1; minus strand), SPEG (striated muscle enriched protein kinase; plus strand). Cytogenetic location: 2q35.
Variant type: single nucleotide variant.
Coding change: c.9530G>A on transcript NM_005876.5 (MANE Select); coding-DNA position 9530, G replaced by A.
Protein change: p.Arg3177His; replaces arginine 3177 with histidine.
Molecular consequence: missense variant.
Genome position (GRCh38, 1-based): chr2:219,492,179, G>A. VCF-style: chr2-219492179-G-A. GRCh37 (hg19) VCF-style: chr2-220356901-G-A.
Other names: c.9530G>A (NM_005876.4); short protein forms R3177H.
Identifiers: ClinVar variation 1417432 (VCV001417432.6), dbSNP rs199580811, ClinGen allele CA2127799.